The following is an entry in ClinVar:

NM_017433.5(MYO3A):c.2794-11G>A

Gene: MYO3A (myosin IIIA; plus strand). Cytogenetic location: 10p12.1.
Variant type: single nucleotide variant.
Coding change: c.2794-11G>A on transcript NM_017433.5 (MANE Select); 11 bases into the intron before coding-DNA position 2794, G replaced by A.
Molecular consequence: intron variant.
Genome position (GRCh38, 1-based): chr10:26,157,299, G>A. VCF-style: chr10-26157299-G-A. GRCh37 (hg19) VCF-style: chr10-26446228-G-A.
Identifiers: ClinVar variation 1308044 (VCV001308044.2), dbSNP rs752888743, ClinGen allele CA5445079.

ClinVar aggregate classification (germline): Uncertain significance (1 of 4 stars; one submission).

Allele frequency attached by ClinVar (database versions not stated): gnomAD exomes 0.00001; ExAC 0.00001; TOPMed 0.00002; gnomAD 0.00001.
gnomAD v4.1: 4 of 1,612,704 alleles (0.00025%); highest among the groups gnomAD compares: East Asian, 0.0089%; no homozygotes.

Submission:

GeneDx
Classification: Uncertain significance. Last evaluated: 2019-08-21. Review status: criteria provided, single submitter. Criteria: GeneDx Variant Classification Process June 2021. Collection method: clinical testing. Allele origin: germline. Affected: yes.
Comment: In-silico analysis, which includes splice predictors and evolutionary conservation, is inconclusive as to whether the variant alters gene splicing. In the absence of RNA/functional studies, the actual effect of this sequence change is unknown.; Has not been previously published as pathogenic or benign to our knowledge